The following is an entry in ClinVar:

ClinVar aggregate classification (germline): Uncertain significance (1 of 4 stars; one submission).

Conditions:
Isolated microphthalmia 6. Also called: MICROPHTHALMIA, POSTERIOR NONSYNDROMIC. Identifiers: Orphanet 2542, MedGen C3150757, MONDO:0013293, OMIM 613517.

Allele frequency attached by ClinVar (database versions not stated): gnomAD exomes below 0.00001.
gnomAD v4.1: 1 of 1,497,174 alleles (0.000067%); highest among the groups gnomAD compares: Admixed American, 0.0022%; no homozygotes.

Submission:

Labcorp Genetics (formerly Invitae), Labcorp
Classification: Uncertain significance for Isolated microphthalmia 6. Last evaluated: 2022-10-18. Review status: criteria provided, single submitter. Criteria: Invitae Variant Classification Sherloc (09022015). Collection method: clinical testing. Allele origin: germline.
Comment: This sequence change replaces aspartic acid, which is acidic and polar, with tyrosine, which is neutral and polar, at codon 511 of the PRSS56 protein (p.Asp511Tyr). This variant is present in population databases (no rsID available, gnomAD 0.005%). This variant has not been reported in the literature in individuals affected with PRSS56-related conditions. Algorithms developed to predict the effect of missense changes on protein structure and function are either unavailable or do not agree on the potential impact of this missense change (SIFT: "Deleterious"; PolyPhen-2: "Not Available"; Align-GVGD: "Class C0"). In summary, the available evidence is currently insufficient to determine the role of this variant in disease. Therefore, it has been classified as a Variant of Uncertain Significance.

NM_001195129.2(PRSS56):c.1531G>T (p.Asp511Tyr)

Gene: PRSS56 (serine protease 56; plus strand). Cytogenetic location: 2q37.1.
Variant type: single nucleotide variant.
Coding change: c.1531G>T on transcript NM_001195129.2 (MANE Select); coding-DNA position 1531, G replaced by T.
Protein change: p.Asp511Tyr; replaces aspartic acid 511 with tyrosine.
Molecular consequence: missense variant.
Genome position (GRCh38, 1-based): chr2:232,525,225, G>T. VCF-style: chr2-232525225-G-T. GRCh37 (hg19) VCF-style: chr2-233389935-G-T.
Other names: c.1534G>T, p.Asp512Tyr (NM_001369848.1); short protein forms D511Y, D512Y.
Identifiers: ClinVar variation 2108469 (VCV002108469.4), dbSNP rs1286301333, ClinGen allele CA350994676.